The following is an entry in ClinVar:

NM_020778.5(ALPK3):c.4048A>G (p.Asn1350Asp)

Gene: ALPK3 (alpha kinase 3; plus strand). Cytogenetic location: 15q25.3.
Variant type: single nucleotide variant.
Coding change: c.4048A>G on transcript NM_020778.5 (MANE Select); coding-DNA position 4048, A replaced by G.
Protein change: p.Asn1350Asp; replaces asparagine 1350 with aspartic acid.
Molecular consequence: missense variant.
Genome position (GRCh38, 1-based): chr15:84,859,858, A>G. VCF-style: chr15-84859858-A-G. GRCh37 (hg19) VCF-style: chr15-85403089-A-G.
Other names: short protein forms N1350D.
Identifiers: ClinVar variation 4742581 (VCV004742581.1).

ClinVar aggregate classification (germline): Uncertain significance (1 of 4 stars; one submission).

gnomAD v4.1: 1 of 1,614,034 alleles (0.000062%); highest among the groups gnomAD compares: Non-Finnish European, 0.000085%; no homozygotes.

Submission:

Labcorp Genetics (formerly Invitae), Labcorp
Classification: Uncertain significance. Last evaluated: 2025-04-18. Review status: criteria provided, single submitter. Criteria: Invitae Variant Classification Sherloc (09022015). Collection method: clinical testing. Allele origin: germline.
Comment: This sequence change replaces asparagine, which is neutral and polar, with aspartic acid, which is acidic and polar, at codon 1552 of the ALPK3 protein (p.Asn1552Asp). This variant is present in population databases (no rsID available, gnomAD 0.006%). This variant has not been reported in the literature in individuals affected with ALPK3-related conditions. Invitae Evidence Modeling of protein sequence and biophysical properties (such as structural, functional, and spatial information, amino acid conservation, physicochemical variation, residue mobility, and thermodynamic stability) indicates that this missense variant is expected to disrupt ALPK3 protein function with a positive predictive value of 80%. In summary, the available evidence is currently insufficient to determine the role of this variant in disease. Therefore, it has been classified as a Variant of Uncertain Significance.